The following is an entry in ClinVar:

NM_000051.4(ATM):c.8161G>C (p.Asp2721His)

Genes: ATM (ATM serine/threonine kinase; plus strand), C11orf65 (chromosome 11 open reading frame 65; minus strand). Cytogenetic location: 11q22.3.
Variant type: single nucleotide variant.
Coding change: c.8161G>C on transcript NM_000051.4 (MANE Select); coding-DNA position 8161, G replaced by C.
Protein change: p.Asp2721His; replaces aspartic acid 2721 with histidine.
Molecular consequence: missense variant. On other transcripts: intron variant (2).
Genome position (GRCh38, 1-based): chr11:108,335,854, G>C. VCF-style: chr11-108335854-G-C. GRCh37 (hg19) VCF-style: chr11-108206581-G-C.
Other names: c.8161G>C, p.Asp2721His (NM_001351834.2); c.641-26783C>G (NM_001330368.2); c.695-562C>G (NM_001351110.2); short protein forms D2721H.
Identifiers: ClinVar variation 231276 (VCV000231276.13), dbSNP rs876659066, ClinGen allele CA10579285.

ClinVar aggregate classification (germline): Uncertain significance. Review status: criteria provided, multiple submitters, no conflicts (2 of 4 stars). 2 submissions from 2 submitters: Uncertain significance (2). Last evaluated 2019-04-29.

Conditions:
Hereditary cancer-predisposing syndrome. Also called: Neoplastic Syndromes, Hereditary; Hereditary neoplastic syndrome; Tumor predisposition; Hereditary Cancer Syndrome. Identifiers: Orphanet 140162, MedGen C0027672, MeSH D009386, MONDO:0015356.
Ataxia-telangiectasia syndrome (AT). Also called: Ataxia telangiectasia (A-T); Cerebello-oculocutaneous telangiectasia; Immunodeficiency with ataxia telangiectasia; LOUIS-BAR SYNDROME; AT, COMPLEMENTATION GROUP C; ATAXIA-TELANGIECTASIA, FRESNO VARIANT. Identifiers: Orphanet 100, MedGen C0004135, MONDO:0008840, OMIM 208900.

Submissions (2):

Ambry Genetics
Classification: Uncertain significance for Hereditary cancer-predisposing syndrome. Last evaluated: 2019-04-29. Review status: criteria provided, single submitter. Criteria: Ambry Variant Classification Scheme 2023. Collection method: clinical testing. Allele origin: germline.
Comment: The p.D2721H variant (also known as c.8161G>C), located in coding exon 55 of the ATM gene, results from a G to C substitution at nucleotide position 8161. The aspartic acid at codon 2721 is replaced by histidine, an amino acid with similar properties.This amino acid position is highly conserved in available vertebrate species. In addition, this alteration is predicted to be deleterious by in silico analysis. Since supporting evidence is limited at this time, the clinical significance of this alteration remains unclear.

Labcorp Genetics (formerly Invitae), Labcorp
Classification: Uncertain significance for Ataxia-telangiectasia syndrome. Last evaluated: 2017-10-28. Review status: criteria provided, single submitter. Criteria: Invitae Variant Classification Sherloc (09022015). Collection method: clinical testing. Allele origin: germline.
Comment: This sequence change replaces aspartic acid with histidine at codon 2721 of the ATM protein (p.Asp2721His). The aspartic acid residue is highly conserved and there is a moderate physicochemical difference between aspartic acid and histidine. This variant is not present in population databases (ExAC no frequency). This variant has not been reported in the literature in individuals with ATM-related disease. ClinVar contains an entry for this variant (Variation ID: 231276). Algorithms developed to predict the effect of missense changes on protein structure and function (SIFT, PolyPhen-2, Align-GVGD) all suggest that this variant is likely to be disruptive, but these predictions have not been confirmed by published functional studies and their clinical significance is uncertain. In summary, the available evidence is currently insufficient to determine the role of this variant in disease. Therefore, it has been classified as a Variant of Uncertain Significance.